The following is an entry in ClinVar:

ClinVar aggregate classification (germline): Uncertain significance. Review status: criteria provided, multiple submitters, no conflicts (2 of 4 stars). 3 submissions from 3 submitters: Uncertain significance (3). Last evaluated 2025-01-06.

Conditions:
Hereditary cancer-predisposing syndrome. Also called: Hereditary Cancer Syndrome; Neoplastic Syndromes, Hereditary; Hereditary neoplastic syndrome; Tumor predisposition. Identifiers: Orphanet 140162, MedGen C0027672, MeSH D009386, MONDO:0015356.
Tuberous sclerosis 2 (TSC2). Identifiers: Orphanet 805, MedGen C1860707, MONDO:0013199, OMIM 613254.

Allele frequency attached by ClinVar (database versions not stated): TOPMed below 0.00001.

Submissions (3):

Ambry Genetics
Classification: Uncertain significance for Hereditary cancer-predisposing syndrome. Last evaluated: 2025-01-06. Review status: criteria provided, single submitter. Criteria: Ambry Variant Classification Scheme 2023. Collection method: clinical testing. Allele origin: germline.
Comment: The p.L545V variant (also known as c.1633C>G), located in coding exon 15 of the TSC2 gene, results from a C to G substitution at nucleotide position 1633. The leucine at codon 545 is replaced by valine, an amino acid with highly similar properties. This amino acid position is well conserved in available vertebrate species. In addition, the in silico prediction for this alteration is inconclusive. Based on the available evidence, the clinical significance of this variant remains unclear.

Labcorp Genetics (formerly Invitae), Labcorp
Classification: Uncertain significance for Tuberous sclerosis 2. Last evaluated: 2024-08-01. Review status: criteria provided, single submitter. Criteria: Invitae Variant Classification Sherloc (09022015). Collection method: clinical testing. Allele origin: germline.
Comment: This sequence change replaces leucine, which is neutral and non-polar, with valine, which is neutral and non-polar, at codon 545 of the TSC2 protein (p.Leu545Val). This variant is not present in population databases (gnomAD no frequency). This variant has not been reported in the literature in individuals affected with TSC2-related conditions. ClinVar contains an entry for this variant (Variation ID: 819714). Advanced modeling of protein sequence and biophysical properties (such as structural, functional, and spatial information, amino acid conservation, physicochemical variation, residue mobility, and thermodynamic stability) performed at Invitae indicates that this missense variant is not expected to disrupt TSC2 protein function with a negative predictive value of 95%. In summary, the available evidence is currently insufficient to determine the role of this variant in disease. Therefore, it has been classified as a Variant of Uncertain Significance.

Genome-Nilou Lab
Classification: Uncertain significance for Tuberous sclerosis 2. Last evaluated: 2021-11-07. Review status: criteria provided, single submitter. Criteria: ACMG Guidelines, 2015. Collection method: clinical testing. Allele origin: germline. Affected: no.

NM_000548.5(TSC2):c.1633C>G (p.Leu545Val)

Gene: TSC2 (TSC complex subunit 2; plus strand). Cytogenetic location: 16p13.3.
Variant type: single nucleotide variant.
Coding change: c.1633C>G on transcript NM_000548.5 (MANE Select); coding-DNA position 1633, C replaced by G.
Protein change: p.Leu545Val; replaces leucine 545 with valine.
Molecular consequence: missense variant.
Genome position (GRCh38, 1-based): chr16:2,065,552, C>G. VCF-style: chr16-2065552-C-G. GRCh37 (hg19) VCF-style: chr16-2115553-C-G.
Other names: c.1633C>G, p.Leu545Val (NM_001077183.3, NM_001114382.3, NM_001363528.2 and 3 more transcripts); c.1522C>G, p.Leu508Val (NM_001318827.2); c.1486C>G, p.Leu496Val (NM_001318829.2); c.1033C>G, p.Leu345Val (NM_001318831.2); c.1666C>G, p.Leu556Val (NM_001318832.2); short protein forms L496V, L508V, L556V, L345V, L545V.
Identifiers: ClinVar variation 819714 (VCV000819714.14), dbSNP rs1060504103, ClinGen allele CA394267806.
Genomic context (GRCh38, chr16:2,065,552, plus strand): 5'-GTGTAAGTCCTGGCCTTCTCTTCAAAGGTGATGGCCCGCTCCCTCTCCCCACCCCCGGAG[C>G]TGGAAGAAAGGGATGTGGCCGCATACTCGGCCTCCTTGGAGGATGTGAAGACAGCCGTCC-3'
Protein context (NP_000539.2, residues 535-555): MARSLSPPPE[Leu545Val]EERDVAAYSA